The following is an entry in ClinVar:

ClinVar aggregate classification (germline): Uncertain significance. Review status: criteria provided, multiple submitters, no conflicts (2 of 4 stars). 2 submissions from 2 submitters: Uncertain significance (2). Last evaluated 2024-09-22.

Conditions:
Familial hypocalciuric hypercalcemia (FHH). Also called: Familial benign hypercalcemia. Identifiers: Orphanet 405, MedGen C1809471, MONDO:0018458.
Autosomal dominant hypocalcemia 1 (HYPOC1). Also called: HYPOCALCEMIA, FAMILIAL. Identifiers: MedGen C3715128, MONDO:0011013, OMIM 601198.
Nephrolithiasis/nephrocalcinosis. Identifiers: MedGen CN580796.

Allele frequency attached by ClinVar (database versions not stated): gnomAD exomes below 0.00001.
gnomAD v4.1: 1 of 1,609,894 alleles (0.000062%); highest among the groups gnomAD compares: Non-Finnish European, 0.000085%; no homozygotes.

Submissions (2):

Ambry Genetics
Classification: Uncertain significance for Nephrolithiasis/nephrocalcinosis. Last evaluated: 2024-09-22. Review status: criteria provided, single submitter. Criteria: Ambry Variant Classification Scheme 2023. Collection method: clinical testing. Allele origin: germline.
Comment: The c.1377+4C>T intronic variant results from a C to T substitution 4 nucleotides after coding exon 3 in the CASR gene. This nucleotide position is poorly conserved in available vertebrate species. In silico splice site analysis for this alteration is inconclusive. Based on the available evidence, the clinical significance of this variant remains unclear.

Labcorp Genetics (formerly Invitae), Labcorp
Classification: Uncertain significance for Familial hypocalciuric hypercalcemia; Autosomal dominant hypocalcemia 1. Last evaluated: 2022-07-25. Review status: criteria provided, single submitter. Criteria: Invitae Variant Classification Sherloc (09022015). Collection method: clinical testing. Allele origin: germline.
Comment: In summary, the available evidence is currently insufficient to determine the role of this variant in disease. Therefore, it has been classified as a Variant of Uncertain Significance. Variants that disrupt the consensus splice site are a relatively common cause of aberrant splicing (PMID: 17576681, 9536098). Algorithms developed to predict the effect of sequence changes on RNA splicing suggest that this variant is not likely to affect RNA splicing. ClinVar contains an entry for this variant (Variation ID: 1404068). This variant has not been reported in the literature in individuals affected with CASR-related conditions. This variant is not present in population databases (gnomAD no frequency). This sequence change falls in intron 4 of the CASR gene. It does not directly change the encoded amino acid sequence of the CASR protein. It affects a nucleotide within the consensus splice site.

Literature cited by the submitters: PubMed 17576681 (cited by Labcorp Genetics (formerly Invitae), Labcorp); PubMed 9536098 (cited by Labcorp Genetics (formerly Invitae), Labcorp).

NM_000388.4(CASR):c.1377+4C>T

Gene: CASR (calcium sensing receptor; plus strand). Cytogenetic location: 3q21.1.
Variant type: single nucleotide variant.
Coding change: c.1377+4C>T on transcript NM_000388.4 (MANE Select); 4 bases into the intron after coding-DNA position 1377, C replaced by T.
Molecular consequence: intron variant.
Genome position (GRCh38, 1-based): chr3:122,262,416, C>T. VCF-style: chr3-122262416-C-T. GRCh37 (hg19) VCF-style: chr3-121981263-C-T.
Other names: c.1377+4C>T (NM_000388.3, NM_001178065.2).
Identifiers: ClinVar variation 1404068 (VCV001404068.7), dbSNP rs1445251048, ClinGen allele CA2573136462.